The following is an entry in ClinVar:

ClinVar aggregate classification (germline): Likely pathogenic (1 of 4 stars; one submission).

Submission:

Labcorp Genetics (formerly Invitae), Labcorp
Classification: Likely pathogenic. Last evaluated: 2023-07-10. Review status: criteria provided, single submitter. Criteria: Invitae Variant Classification Sherloc (09022015). Collection method: clinical testing. Allele origin: germline.
Comment: In summary, the currently available evidence indicates that the variant is pathogenic, but additional data are needed to prove that conclusively. Therefore, this variant has been classified as Likely Pathogenic. Algorithms developed to predict the effect of sequence changes on RNA splicing suggest that this variant may disrupt the consensus splice site. This variant has not been reported in the literature in individuals affected with MYO18B-related conditions. This variant is not present in population databases (gnomAD no frequency). This sequence change affects a donor splice site in intron 27 of the MYO18B gene. It is expected to disrupt RNA splicing. Variants that disrupt the donor or acceptor splice site typically lead to a loss of protein function (PMID: 16199547), and loss-of-function variants in MYO18B are known to be pathogenic (PMID: 25748484, 32184166, 32637634).

Literature cited by the submitters: PubMed 16199547; PubMed 25748484; PubMed 32184166; PubMed 32637634.

NM_032608.7(MYO18B):c.4543+1G>A

Genes: MYO18B (myosin XVIIIB; plus strand), MYO18B-AS1 (MYO18B antisense RNA 1; minus strand). Cytogenetic location: 22q12.1.
Variant type: single nucleotide variant.
Coding change: c.4543+1G>A on transcript NM_032608.7 (MANE Select); the canonical splice donor site of the intron after coding-DNA position 4543, G replaced by A.
Molecular consequence: splice donor variant.
Genome position (GRCh38, 1-based): chr22:25,891,413, G>A. VCF-style: chr22-25891413-G-A. GRCh37 (hg19) VCF-style: chr22-26287380-G-A.
Other names: c.4546+1G>A (NM_001318245.2).
Identifiers: ClinVar variation 2741202 (VCV002741202.3), dbSNP rs2517792936, ClinGen allele CA411009793.